The following is an entry in ClinVar:

NM_001283009.2(RTEL1):c.3115C>G (p.Pro1039Ala)

Genes: RTEL1 (regulator of telomere elongation helicase 1; plus strand), RTEL1-TNFRSF6B (RTEL1-TNFRSF6B readthrough (NMD candidate); plus strand). Cytogenetic location: 20q13.33.
Variant type: single nucleotide variant.
Coding change: c.3115C>G on transcript NM_001283009.2 (MANE Select); coding-DNA position 3115, C replaced by G.
Protein change: p.Pro1039Ala; replaces proline 1039 with alanine.
Molecular consequence: missense variant. On other transcripts: non-coding transcript variant (1).
Genome position (GRCh38, 1-based): chr20:63,694,746, C>G. VCF-style: chr20-63694746-C-G. GRCh37 (hg19) VCF-style: chr20-62326099-C-G.
Other names: c.2446C>G, p.Pro816Ala (NM_001283010.1); c.3115C>G, p.Pro1039Ala (NM_016434.4); c.3187C>G, p.Pro1063Ala (NM_032957.5); short protein forms P1039A, P816A, P1063A.
Identifiers: ClinVar variation 3948312 (VCV003948312.1).

ClinVar aggregate classification (germline): Uncertain significance (1 of 4 stars; one submission).

Conditions:
Inborn genetic diseases. Identifiers: MedGen C0950123, MeSH D030342.

Submission:

Ambry Genetics
Classification: Uncertain significance for Inborn genetic diseases. Last evaluated: 2025-04-07. Review status: criteria provided, single submitter. Criteria: Ambry Variant Classification Scheme 2023. Collection method: clinical testing. Allele origin: germline.
Comment: The p.P1039A variant (also known as c.3115C>G), located in coding exon 31 of the RTEL1 gene, results from a C to G substitution at nucleotide position 3115. The proline at codon 1039 is replaced by alanine, an amino acid with highly similar properties. This amino acid position is conserved. In addition, this alteration is predicted to be tolerated by in silico analysis. Based on the available evidence, the clinical significance of this variant remains unclear.